The following is an entry in ClinVar:

NM_130384.3(ATRIP):c.703C>G (p.Pro235Ala)

Genes: ATRIP (ATR interacting protein; plus strand), ATRIP-TREX1 (ATRIP-TREX1 readthrough; plus strand). Cytogenetic location: 3p21.31.
Variant type: single nucleotide variant.
Coding change: c.703C>G on transcript NM_130384.3 (MANE Select); coding-DNA position 703, C replaced by G.
Protein change: p.Pro235Ala; replaces proline 235 with alanine.
Molecular consequence: missense variant. On other transcripts: non-coding transcript variant (1).
Genome position (GRCh38, 1-based): chr3:48,457,290, C>G. VCF-style: chr3-48457290-C-G. GRCh37 (hg19) VCF-style: chr3-48498690-C-G.
Other names: c.322C>G, p.Pro108Ala (NM_001271022.2); c.424C>G, p.Pro142Ala (NM_001271023.2); c.703C>G, p.Pro235Ala (NM_032166.4); short protein forms P108A, P235A, P142A.
Identifiers: ClinVar variation 3976651 (VCV003976651.1).
Genomic context (GRCh38, chr3:48,457,290, plus strand): 5'-ACTTTGCTTTCATAGTTAACTTTTTCCAGTCCTAGGAAAAACCCTTCTGTGGTTATAAAG[C>G]CAGAAGCATGTTCTCCACAATTTGGAAAAACATCTTTTCCTACAAAGGAGTCTTTTAGTG-3'
Protein context (NP_569055.1, residues 225-245): PRKNPSVVIK[Pro235Ala]EACSPQFGKT

ClinVar aggregate classification (germline): Uncertain significance (1 of 4 stars; one submission).

Submission:

Ambry Genetics
Classification: Uncertain significance. Last evaluated: 2025-05-19. Review status: criteria provided, single submitter. Criteria: Ambry Variant Classification Scheme 2023. Collection method: clinical testing. Allele origin: germline.
Comment: The p.P235A variant (also known as c.703C>G), located in coding exon 5 of the ATRIP gene, results from a C to G substitution at nucleotide position 703. The proline at codon 235 is replaced by alanine, an amino acid with highly similar properties. This amino acid position is conserved. In addition, this alteration is predicted to be tolerated by in silico analysis. Based on the available evidence, the clinical significance of this variant remains unclear.